The following is an entry in ClinVar:

NM_198578.4(LRRK2):c.3700A>G (p.Ile1234Val)

Gene: LRRK2 (leucine rich repeat kinase 2; plus strand). Cytogenetic location: 12q12.
Variant type: single nucleotide variant.
Coding change: c.3700A>G on transcript NM_198578.4 (MANE Select); coding-DNA position 3700, A replaced by G.
Protein change: p.Ile1234Val; replaces isoleucine 1234 with valine.
Molecular consequence: missense variant.
Genome position (GRCh38, 1-based): chr12:40,304,057, A>G. VCF-style: chr12-40304057-A-G. GRCh37 (hg19) VCF-style: chr12-40697859-A-G.
Other names: short protein forms I1234V.
Identifiers: ClinVar variation 1734101 (VCV001734101.2), dbSNP rs2499781823, ClinGen allele CA384416760.

ClinVar aggregate classification (germline): Uncertain significance (1 of 4 stars; one submission).

Conditions:
Inborn genetic diseases. Identifiers: MedGen C0950123, MeSH D030342.

Submission:

Ambry Genetics
Classification: Uncertain significance for Inborn genetic diseases. Last evaluated: 2022-05-01. Review status: criteria provided, single submitter. Criteria: Ambry Variant Classification Scheme 2023. Collection method: clinical testing. Allele origin: germline.
Comment: The p.I1234V variant (also known as c.3700A>G), located in coding exon 27 of the LRRK2 gene, results from an A to G substitution at nucleotide position 3700. The isoleucine at codon 1234 is replaced by valine, an amino acid with highly similar properties. This amino acid position is conserved. In addition, this alteration is predicted to be tolerated by in silico analysis. Since supporting evidence is limited at this time, the clinical significance of this alteration remains unclear.